The following is an entry in ClinVar:

NM_033087.4(ALG2):c.988G>A (p.Val330Ile)

Gene: ALG2 (ALG2 alpha-1,3/1,6-mannosyltransferase; minus strand). Cytogenetic location: 9q22.33.
Variant type: single nucleotide variant.
Coding change: c.988G>A on transcript NM_033087.4 (MANE Select); coding-DNA position 988, G replaced by A.
Protein change: p.Val330Ile; replaces valine 330 with isoleucine.
Molecular consequence: missense variant. On other transcripts: non-coding transcript variant (1).
Genome position (GRCh38, 1-based): chr9:99,218,197, C>T on the plus strand (G>A on the coding strand, the complement: ALG2 is on the minus strand). VCF-style: chr9-99218197-C-T. GRCh37 (hg19) VCF-style: chr9-101980479-C-T.
Other names: short protein forms V330I.
Identifiers: ClinVar variation 3775314 (VCV003775314.1).
Genomic context (GRCh38, chr9:99,218,197, plus strand): 5'-AGGGTCCACCCGAATTAACAGCAATGACTGGGCACTGCATGTACATGGCTTCCAGAGGGA[C>T]AATGCCAAAGTGCTCATTGCTTGGTGTGTAAAGCACACACGTGCAGCTGTGGAGGAGGGA-3'
Protein context (NP_149078.1, residues 320-340): YTPSNEHFGI[Val330Ile]PLEAMYMQCP

ClinVar aggregate classification (germline): Uncertain significance (1 of 4 stars; one submission).

Conditions:
Congenital disorder of glycosylation, type Ii. Also called: ALG2-CDG; ALG2-congenital disorder of glycosylation; CDG Ii. Identifiers: Orphanet 79326, MedGen C1842836, MONDO:0011933, OMIM 607906.

gnomAD v4.1: 7 of 1,613,810 alleles (0.00043%); highest among the groups gnomAD compares: African/African-American, 0.0013%; no homozygotes.

Submission:

3billion
Classification: Uncertain significance for Congenital disorder of glycosylation, type Ii. Last evaluated: 2023-11-22. Review status: criteria provided, single submitter. Criteria: ACMG Guidelines, 2015. Collection method: clinical testing. Allele origin: germline. Affected: yes.
Comment: The variant is observed at an extremely low frequency in the gnomAD v2.1.1 dataset (total allele frequency: <0.001%). Predicted Consequence/Location: Missense variant In silico tool predictions suggest damaging effect of the variant on gene or gene product [3Cnet: 0.63 (>=0.6, sensitivity 0.72 and precision 0.9)]. Therefore, this variant is classified as VUS according to the recommendation of ACMG/AMP guideline.